The following is an entry in ClinVar:

ClinVar aggregate classification (germline): Uncertain significance. Review status: criteria provided, multiple submitters, no conflicts (2 of 4 stars). 2 submissions from 2 submitters: Uncertain significance (2). Last evaluated 2026-01-15.

Conditions:
PSKH1-related condition.

gnomAD v4.1: 124 of 1,614,162 alleles (0.0077%); highest among the groups gnomAD compares: Non-Finnish European, 0.0049%; no homozygotes.

Submissions (2):

PreventionGenetics, part of Exact Sciences
Classification: Uncertain significance for PSKH1-related condition. Last evaluated: 2026-01-15. Review status: criteria provided, single submitter. Criteria: ACMG Guidelines, 2015. Collection method: clinical testing. Allele origin: germline.
Comment: The PSKH1 c.1142C>T variant is predicted to result in the amino acid substitution p.Ser381Leu. To our knowledge, this variant has not been reported in the literature. This variant is reported in 0.084% of alleles in individuals of European (Finnish) descent in gnomAD. Although we suspect that this variant may be benign, at this time, the clinical significance of this variant is uncertain due to the absence of conclusive functional and genetic evidence.

Ambry Genetics
Classification: Uncertain significance. Last evaluated: 2024-08-02. Review status: criteria provided, single submitter. Criteria: Ambry Variant Classification Scheme 2023. Collection method: clinical testing. Allele origin: germline.

NM_006742.3(PSKH1):c.1142C>T (p.Ser381Leu)

Gene: PSKH1 (protein serine kinase H1; plus strand). Cytogenetic location: 16q22.1.
Variant type: single nucleotide variant.
Coding change: c.1142C>T on transcript NM_006742.3 (MANE Select); coding-DNA position 1142, C replaced by T.
Protein change: p.Ser381Leu; replaces serine 381 with leucine.
Molecular consequence: missense variant.
Genome position (GRCh38, 1-based): chr16:67,927,509, C>T. VCF-style: chr16-67927509-C-T. GRCh37 (hg19) VCF-style: chr16-67961412-C-T.
Other names: short protein forms S381L.
Identifiers: ClinVar variation 3426884 (VCV003426884.2).